The following is an entry in ClinVar:

NM_014844.5(TECPR2):c.1599A>G (p.Glu533=)

Gene: TECPR2 (tectonin beta-propeller repeat containing 2; plus strand). Cytogenetic location: 14q32.31.
Variant type: single nucleotide variant.
Coding change: c.1599A>G on transcript NM_014844.5 (MANE Select); coding-DNA position 1599, A replaced by G.
Protein change: p.Glu533=; no amino-acid change (glutamic acid 533 retained).
Molecular consequence: synonymous variant.
Genome position (GRCh38, 1-based): chr14:102,434,416, A>G. VCF-style: chr14-102434416-A-G. GRCh37 (hg19) VCF-style: chr14-102900753-A-G.
Other names: c.1599A>G, p.Glu533= (NM_001172631.3).
Identifiers: ClinVar variation 4977072 (VCV004977072.1).

ClinVar aggregate classification (germline): Uncertain significance (1 of 4 stars; one submission).

Conditions:
TECPR2-related disorder. Also called: TECPR2-related condition.

gnomAD v4.1: 5 of 1,529,968 alleles (0.00033%); highest among the groups gnomAD compares: African/African-American, 0.0014%; no homozygotes.

Submission:

PreventionGenetics, part of Exact Sciences
Classification: Uncertain significance for TECPR2-related condition. Last evaluated: 2026-08-28. Review status: criteria provided, single submitter. Criteria: ACMG Guidelines, 2015. Collection method: clinical testing. Allele origin: germline.
Comment: The TECPR2 c.1599A>G variant is not predicted to result in an amino acid change (p.=). This variant is predicted to possibly activate a cryptic donor splice site within the exon based on available splicing prediction programs (SpliceAI, Jaganathan et al. 2019. PubMed ID: 30661751)/(Alamut Visual v1.13). However, the use of computer prediction programs is not equivalent to functional evidence. To our knowledge, this variant has not been reported in the literature or in a large population database (gnomAD), indicating this variant is rare. At this time, the clinical significance of this variant is uncertain due to the absence of conclusive functional and genetic evidence.